The following is an entry in ClinVar:

NM_000136.3(FANCC):c.967G>A (p.Val323Ile)

Genes: AOPEP (aminopeptidase O (putative); plus strand), FANCC (FA complementation group C; minus strand). Cytogenetic location: 9q22.32.
Variant type: single nucleotide variant.
Coding change: c.967G>A on transcript NM_000136.3 (MANE Select); coding-DNA position 967, G replaced by A.
Protein change: p.Val323Ile; replaces valine 323 with isoleucine.
Molecular consequence: missense variant.
Genome position (GRCh38, 1-based): chr9:95,125,115, C>T on the plus strand (G>A on the coding strand, the complement: FANCC is on the minus strand). VCF-style: chr9-95125115-C-T. GRCh37 (hg19) VCF-style: chr9-97887397-C-T.
Other names: p.V323I:GTA>ATA; c.967G>A, p.Val323Ile (NM_001243743.2, NM_001243744.2); short protein forms V323I.
Identifiers: ClinVar variation 182482 (VCV000182482.3), dbSNP rs730881720, ClinGen allele CA299175.

ClinVar aggregate classification (germline): Uncertain significance. Review status: criteria provided, single submitter (1 of 4 stars). 2 submissions from 2 submitters: Uncertain significance (1). 1 of the submissions does not count toward it. Last evaluated 2018-10-12.

Conditions:
Fanconi anemia (FA). Also called: Fanconi's anemia. Identifiers: Orphanet 84, MedGen C0015625, MeSH D005199, MONDO:0019391.

Submissions (2):

GeneDx
Classification: Uncertain significance. Last evaluated: 2018-10-12. Review status: criteria provided, single submitter. Criteria: GeneDx Variant Classification (06012015). Collection method: clinical testing. Allele origin: germline. Affected: yes.
Comment: This variant is denoted FANCC c.967G>A at the cDNA level, p.Val323Ile (V323I) at the protein level, and results in the change of a Valine to an Isoleucine (GTA>ATA). This variant has not, to our knowledge, been published in the literature as pathogenic or benign. FANCC Val323Ile was not observed in approximately 6,500 individuals of European and African American ancestry in the NHLBI Exome Sequencing Project, indicating it is not a common benign variant in these populations. Since Valine and Isoleucine share similar properties, this is considered a conservative amino acid substitution. FANCC Val323Ile occurs at a position that is moderately conserved across species and is located in the Hsp70 interacting domain (Gordon 2000). In silico analyses predict that this variant is unlikely to alter protein structure or function. Based on currently available information, it is unclear whether FANCC Val323Ile is pathogenic or benign. We consider it to be a variant of uncertain significance.

Natera, Inc.
Classification: Uncertain significance for Fanconi anemia. Last evaluated: 2021-01-24. Review status: no assertion criteria provided. Collection method: clinical testing. Allele origin: germline. Not counted in ClinVar's aggregate classification.